The following is an entry in ClinVar:

NM_005029.4(PITX3):c.726CGC[4] (p.Ala250del)

Genes: GBF1 (golgi brefeldin A resistant guanine nucleotide exchange factor 1; plus strand), PITX3 (paired like homeodomain 3; minus strand), LOC130004591 (ATAC-STARR-seq lymphoblastoid silent region 2753; plus strand). Cytogenetic location: 10q24.32.
Variant type: Microsatellite.
Coding change: c.726CGC[4] on transcript NM_005029.4 (MANE Select); four copies in a row of the 3-base unit CGC starting at c.726; the reference has five copies in a row; one copy, 3 bases deleted.
Protein change: p.Ala250del; deletes alanine 250.
Molecular consequence: inframe deletion. On other transcripts: 5 prime UTR variant (2).
Genome position (GRCh38, 1-based): chr10:102,230,683-102,230,685, GCG deleted on the plus strand (CGC on the coding strand, the reverse complement: PITX3 is on the minus strand); deleting any 3 consecutive bases within chr10:102,230,683-102,230,699 gives the same sequence; the position shown is the placement nearest the transcript's 3' end. VCF-style (leftmost placement, unchanged base first): chr10-102230682-CGCG-C. GRCh37 (hg19) VCF-style: chr10-103990439-CGCG-C.
Other names: c.-242GGC[4] (NM_001391923.1); c.-380GGC[4] (NM_001391924.1); short protein forms A250del.
Identifiers: ClinVar variation 3631670 (VCV003631670.2).

ClinVar aggregate classification (germline): Uncertain significance (1 of 4 stars; one submission).

Submission:

Labcorp Genetics (formerly Invitae), Labcorp
Classification: Uncertain significance. Last evaluated: 2024-10-31. Review status: criteria provided, single submitter. Criteria: Invitae Variant Classification Sherloc (09022015). Collection method: clinical testing. Allele origin: germline.
Comment: This variant, c.738_740del, results in the deletion of 1 amino acid(s) of the PITX3 protein (p.Ala250del), but otherwise preserves the integrity of the reading frame. The frequency data for this variant in the population databases is considered unreliable, as metrics indicate poor data quality at this position in the gnomAD database. This variant has not been reported in the literature in individuals affected with PITX3-related conditions. Experimental studies and prediction algorithms are not available or were not evaluated, and the functional significance of this variant is currently unknown. In summary, the available evidence is currently insufficient to determine the role of this variant in disease. Therefore, it has been classified as a Variant of Uncertain Significance.